The following is an entry in ClinVar:

ClinVar aggregate classification (germline): Benign. Review status: criteria provided, single submitter (1 of 4 stars). 3 submissions from 1 submitter: Benign (3). Last evaluated 2018-01-13.

Conditions:
Leprechaunism syndrome. Also called: Donohue syndrome; LEPRECHAUNISM. Identifiers: Orphanet 508, MedGen C0265344, MONDO:0009517, OMIM 246200.
Rabson-Mendenhall syndrome. Also called: MENDENHALL SYNDROME; Pineal Hyperplasia, Insulin-Resistant Diabetes Mellitus, and Somatic Abnormalities; Pineal hyperplasia AND diabetes mellitus syndrome. Identifiers: Orphanet 769, MedGen C0271695, MONDO:0009874, OMIM 262190.
Insulin-resistant diabetes mellitus AND acanthosis nigricans. Also called: Insulin-resistance syndrome type A; INSULIN RECEPTOR, DEFECT IN, WITH INSULIN-RESISTANT DIABETES MELLITUS AND ACANTHOSIS NIGRICANS; IRAN, TYPE A; type A insulin resistance; DIABETES MELLITUS, INSULIN-RESISTANT, WITH ACANTHOSIS NIGRICANS, TYPE A. Identifiers: Orphanet 2297, MedGen C0342278, MONDO:0012520, OMIM 610549.

Allele frequency attached by ClinVar (database versions not stated): gnomAD 0.01136 and 0.01216; TOPMed 0.01260; 1000 Genomes Project 0.01597; 1000 Genomes Project 30x 0.01874.

Submissions (3):

Illumina Laboratory Services, Illumina
Classification: Benign for Leprechaunism syndrome. Last evaluated: 2018-01-13. Review status: criteria provided, single submitter. Criteria: ICSL Variant Classification Criteria 13 December 2019. Collection method: clinical testing. Allele origin: germline.
Comment: This variant was observed in the ICSL laboratory as part of a predisposition screen in an ostensibly healthy population. It had not been previously curated by ICSL or reported in the Human Gene Mutation Database (HGMD: prior to June 1st, 2018), and was therefore a candidate for classification through an automated scoring system. Utilizing variant allele frequency, disease prevalence and penetrance estimates, and inheritance mode, an automated score was calculated to assess if this variant is too frequent to cause the disease. Based on the score and internal cut-off values, a variant classified as benign is not then subjected to further curation. The score for this variant resulted in a classification of benign for this disease.

Illumina Laboratory Services, Illumina
Classification: Benign for Rabson-Mendenhall syndrome. Last evaluated: 2018-01-13. Review status: criteria provided, single submitter. Criteria: ICSL Variant Classification Criteria 13 December 2019. Collection method: clinical testing. Allele origin: germline.
Comment: the same text as in the submission from Illumina Laboratory Services, Illumina above.

Illumina Laboratory Services, Illumina
Classification: Benign for Insulin-resistant diabetes mellitus AND acanthosis nigricans. Last evaluated: 2018-01-13. Review status: criteria provided, single submitter. Criteria: ICSL Variant Classification Criteria 13 December 2019. Collection method: clinical testing. Allele origin: germline.
Comment: the same text as in the submission from Illumina Laboratory Services, Illumina above.

NM_000208.4(INSR):c.*4602C>T

Gene: INSR (insulin receptor; minus strand). Cytogenetic location: 19p13.2.
Variant type: single nucleotide variant.
Coding change: c.*4602C>T on transcript NM_000208.4 (MANE Select); 4602 bases downstream of the stop codon, C replaced by T.
Molecular consequence: 3 prime UTR variant.
Genome position (GRCh38, 1-based): chr19:7,112,454, G>A on the plus strand (C>T on the coding strand, the complement: INSR is on the minus strand). VCF-style: chr19-7112454-G-A. GRCh37 (hg19) VCF-style: chr19-7112465-G-A.
Other names: c.*4602C>T (NM_001079817.3).
Identifiers: ClinVar variation 330347 (VCV000330347.5), dbSNP rs10413914, ClinGen allele CA10652827.
Genomic context (GRCh38, chr19:7,112,454, plus strand): 5'-AAAAATAATAATTGAGCTGTTGGGGGGTTTTGTGTTTCTGAGTTGTTTTCTGCAAAAGCT[G>A]CAGCACATTTGATCCTGCGTTGCCAACGCACAGGGCCGAGGCCACCCAGGCACACAAAGG-3'